The following is an entry in ClinVar:

ClinVar aggregate classification (germline): Uncertain significance (0 of 4 stars; one submission).

Conditions:
11p13 microduplication syndrome.

Submission:

Center for Human Genetics and Genomic Medicine, Uniklinik Rwth Aachen
Classification: Uncertain significance for 11p13 microduplication syndrome. Review status: no assertion criteria provided. Collection method: clinical testing. Allele origin: de novo. Inheritance: Autosomal dominant inheritance. Affected: yes.
Comment: The duplication of the 11p13.3 region was recently identified as a potential new syndrom by Amin et al. (2024). The CNV was ranked as Variant of uncertain significance by the ClinGen and ACMG criteria.

Literature cited by the submitters: PubMed 38486332.

Single allele

Genes: APIP (APAF1 interacting protein; minus strand), CD44 (CD44 molecule (IN blood group); plus strand), CD44-AS1 (CD44 antisense RNA 1; minus strand), CD44-DT (CD44 divergent transcript; minus strand), COMMD9 (COMM domain containing 9; minus strand) and 71 more. Cytogenetic location: 11p13-12.
Variant type: Duplication.
Identifiers: ClinVar variation 3338423 (VCV003338423.1).